The following is an entry in ClinVar:

ClinVar aggregate classification (germline): Uncertain significance (1 of 4 stars; one submission).

Conditions:
Hereditary breast ovarian cancer syndrome. Also called: Hereditary breast and ovarian cancer syndrome; Hereditary breast and ovarian cancer syndrome (HBOC); Hereditary breast and/or ovarian cancer syndrome; Hereditary breast and ovarian cancer; Breast and ovarian cancer; BRCA1- and BRCA2-Associated Hereditary Breast and Ovarian Cancer. Identifiers: Orphanet 145, MedGen C0677776, MeSH D061325, MONDO:0003582. Disease mechanism: loss of function.

Submission:

Labcorp Genetics (formerly Invitae), Labcorp
Classification: Uncertain significance for Hereditary breast ovarian cancer syndrome. Last evaluated: 2023-07-07. Review status: criteria provided, single submitter. Criteria: Invitae Variant Classification Sherloc (09022015). Collection method: clinical testing. Allele origin: germline.
Comment: This sequence change falls in intron 3 of the BRCA2 gene. It does not directly change the encoded amino acid sequence of the BRCA2 protein. It affects a nucleotide within the consensus splice site. In summary, the available evidence is currently insufficient to determine the role of this variant in disease. Therefore, it has been classified as a Variant of Uncertain Significance. Variants that disrupt the consensus splice site are a relatively common cause of aberrant splicing (PMID: 17576681, 9536098). Algorithms developed to predict the effect of sequence changes on RNA splicing suggest that this variant is not likely to affect RNA splicing. This variant has not been reported in the literature in individuals affected with BRCA2-related conditions. This variant is not present in population databases (gnomAD no frequency).

Literature cited by the submitters: PubMed 17576681; PubMed 9536098.

NM_000059.4(BRCA2):c.317-3C>T

Gene: BRCA2 (BRCA2 DNA repair associated; plus strand). Cytogenetic location: 13q13.1.
Variant type: single nucleotide variant.
Coding change: c.317-3C>T on transcript NM_000059.4 (MANE Select); 3 bases into the intron before coding-DNA position 317, C replaced by T.
Molecular consequence: intron variant.
Genome position (GRCh38, 1-based): chr13:32,325,073, C>T. VCF-style: chr13-32325073-C-T. GRCh37 (hg19) VCF-style: chr13-32899210-C-T.
Other names: c.317-3C>T (NM_001406720.1, NM_001406719.1, NM_001406721.1); c.-53-3C>T (NM_001406722.1).
Identifiers: ClinVar variation 2790698 (VCV002790698.3), dbSNP rs2137445968, ClinGen allele CA2727668732.